The following is an entry in ClinVar:

NM_006206.6(PDGFRA):c.2636G>T (p.Trp879Leu)

Gene: PDGFRA (platelet derived growth factor receptor alpha; plus strand). Cytogenetic location: 4q12.
Variant type: single nucleotide variant.
Coding change: c.2636G>T on transcript NM_006206.6 (MANE Select); coding-DNA position 2636, G replaced by T.
Protein change: p.Trp879Leu; replaces tryptophan 879 with leucine.
Molecular consequence: missense variant.
Genome position (GRCh38, 1-based): chr4:54,287,503, G>T. VCF-style: chr4-54287503-G-T. GRCh37 (hg19) VCF-style: chr4-55153670-G-T.
Other names: c.2711G>T, p.Trp904Leu (NM_001347828.2); c.2636G>T, p.Trp879Leu (NM_001347829.2); c.2675G>T, p.Trp892Leu (NM_001347830.2); short protein forms W879L, W892L, W904L.
Identifiers: ClinVar variation 3225289 (VCV003225289.1), dbSNP rs2110341598, ClinGen allele CA356895296.
Genomic context (GRCh38, chr4:54,287,503, plus strand): 5'-TGAAGTGGATGGCTCCTGAGAGCATCTTTGACAACCTCTACACCACACTGAGTGATGTCT[G>T]GTCTTATGGCATTCTGCTCTGGGAGATCTTTTCCCTTGGTATGGGCCTGACATTGCTGCT-3'
Protein context (NP_006197.1, residues 869-889): DNLYTTLSDV[Trp879Leu]SYGILLWEIF

ClinVar aggregate classification (germline): Uncertain significance (1 of 4 stars; one submission).

Conditions:
Hereditary cancer-predisposing syndrome. Also called: Neoplastic Syndromes, Hereditary; Tumor predisposition; Hereditary neoplastic syndrome; Hereditary Cancer Syndrome. Identifiers: Orphanet 140162, MedGen C0027672, MeSH D009386, MONDO:0015356.

Submission:

Ambry Genetics
Classification: Uncertain significance for Hereditary cancer-predisposing syndrome. Last evaluated: 2024-01-25. Review status: criteria provided, single submitter. Criteria: Ambry Variant Classification Scheme 2023. Collection method: clinical testing. Allele origin: germline.
Comment: The p.W879L variant (also known as c.2636G>T), located in coding exon 18 of the PDGFRA gene, results from a G to T substitution at nucleotide position 2636. The tryptophan at codon 879 is replaced by leucine, an amino acid with similar properties. This amino acid position is conserved. In addition, this alteration is predicted to be deleterious by in silico analysis. Based on the available evidence, the clinical significance of this alteration remains unclear.